The following is an entry in ClinVar:

ClinVar aggregate classification (germline): Likely benign. Review status: criteria provided, multiple submitters, no conflicts (2 of 4 stars). 2 submissions from 2 submitters: Likely benign (2). Last evaluated 2025-10-06.

Conditions:
NTRK2-related disorder. Also called: NTRK2-related condition.

gnomAD v4.1: 4 of 1,593,684 alleles (0.00025%); highest among the groups gnomAD compares: Non-Finnish European, 0.00034%; no homozygotes.

Submissions (2):

PreventionGenetics, part of Exact Sciences
Classification: Likely benign for NTRK2-related condition. Last evaluated: 2025-10-06. Review status: criteria provided, single submitter. Criteria: ACMG Guidelines, 2015. Collection method: clinical testing. Allele origin: germline.
Comment: This variant is classified as likely benign based on ACMG/AMP sequence variant interpretation guidelines (Richards et al. 2015 PMID: 25741868, with internal and published modifications).

Labcorp Genetics (formerly Invitae), Labcorp
Classification: Likely benign. Last evaluated: 2025-03-30. Review status: criteria provided, single submitter. Criteria: Invitae Variant Classification Sherloc (09022015). Collection method: clinical testing. Allele origin: germline.

NM_006180.6(NTRK2):c.1938-4C>G

Gene: NTRK2 (neurotrophic receptor tyrosine kinase 2; plus strand). Cytogenetic location: 9q21.33.
Variant type: single nucleotide variant.
Coding change: c.1938-4C>G on transcript NM_006180.6 (MANE Select); 4 bases into the intron before coding-DNA position 1938, C replaced by G.
Molecular consequence: intron variant.
Genome position (GRCh38, 1-based): chr9:84,955,279, C>G. VCF-style: chr9-84955279-C-G. GRCh37 (hg19) VCF-style: chr9-87570194-C-G.
Other names: c.1938-4C>G (NM_006180.4); c.1890-4C>G (NM_001369532.1, NM_001369533.1, NM_001018064.3); c.1854-4C>G (NM_001369534.1); c.1470-4C>G (NM_001369536.1); c.1422-4C>G (NM_001369535.1).
Identifiers: ClinVar variation 4716303 (VCV004716303.2).